The following is an entry in ClinVar:

ClinVar aggregate classification (germline): Pathogenic. Review status: criteria provided, single submitter (1 of 4 stars). 2 submissions from 2 submitters: Pathogenic (1). 1 of the submissions does not count toward it. Last evaluated 2025-02-02.

Conditions:
Ataxia-telangiectasia syndrome (AT). Also called: Ataxia-telangiectasia, complementation group D; AT, COMPLEMENTATION GROUP C; Ataxia-telangiectasia, complementation group E; LOUIS-BAR SYNDROME; Cerebello-oculocutaneous telangiectasia; Immunodeficiency with ataxia telangiectasia. Identifiers: Orphanet 100, MedGen C0004135, MONDO:0008840, OMIM 208900.

Submissions (2):

Labcorp Genetics (formerly Invitae), Labcorp
Classification: Pathogenic for Ataxia-telangiectasia syndrome. Last evaluated: 2025-02-02. Review status: criteria provided, single submitter. Criteria: Invitae Variant Classification Sherloc (09022015). Collection method: clinical testing. Allele origin: germline.
Comment: This sequence change creates a premature translational stop signal (p.Glu1009*) in the ATM gene. It is expected to result in an absent or disrupted protein product. Loss-of-function variants in ATM are known to be pathogenic (PMID: 23807571, 25614872). This variant is not present in population databases (gnomAD no frequency). This variant has not been reported in the literature in individuals affected with ATM-related conditions. ClinVar contains an entry for this variant (Variation ID: 554323). For these reasons, this variant has been classified as Pathogenic.

Counsyl
Classification: Likely pathogenic for Ataxia-telangiectasia syndrome. Last evaluated: 2017-10-16. Review status: no assertion criteria provided. Collection method: clinical testing. Allele origin: unknown. Not counted in ClinVar's aggregate classification.

Literature cited by the submitters: PubMed 23807571 (cited by Labcorp Genetics (formerly Invitae), Labcorp); PubMed 25614872 (cited by Labcorp Genetics (formerly Invitae), Labcorp).

NM_000051.4(ATM):c.3024dup (p.Glu1009Ter)

Gene: ATM (ATM serine/threonine kinase; plus strand). Cytogenetic location: 11q22.3.
Variant type: Duplication.
Coding change: c.3024dup on transcript NM_000051.4 (MANE Select); coding-DNA position 3024, one base duplicated (T; older notation c.3024dupT).
Protein change: p.Glu1009Ter; replaces glutamic acid 1009 with a stop codon.
Molecular consequence: nonsense.
Genome position (GRCh38, 1-based): chr11:108,271,353, T duplicated. VCF-style (leftmost placement, unchanged base first): chr11-108271352-C-CT. GRCh37 (hg19) VCF-style: chr11-108142079-C-CT.
Other names: c.3024dupT (NM_000051.3); c.3024dup, p.Glu1009Ter (NM_001351834.2); short protein forms E1009*.
Identifiers: ClinVar variation 554323 (VCV000554323.10), dbSNP rs1555085172, ClinGen allele CA658823321.
Genomic context (GRCh38, chr11:108,271,352, plus strand): 5'-AAACTATTTTAAACCATGTCCTTCATGTAGTGAAAAACCTAGGTCAAAGCAATATGGACT[C>CT]TGAGAACACAAGGGATGCTCAAGGACAGTTTCTTACAGTAATTGGAGCATTTTGGTAGGT-3'